The following is an entry in ClinVar:

NM_018699.4(PRDM5):c.1392G>T (p.Glu464Asp)

Gene: PRDM5 (PR/SET domain 5; minus strand). Cytogenetic location: 4q27.
Variant type: single nucleotide variant.
Coding change: c.1392G>T on transcript NM_018699.4 (MANE Select); coding-DNA position 1392, G replaced by T.
Protein change: p.Glu464Asp; replaces glutamic acid 464 with aspartic acid.
Molecular consequence: missense variant.
Genome position (GRCh38, 1-based): chr4:120,781,194, C>A on the plus strand (G>T on the coding strand, the complement: PRDM5 is on the minus strand). VCF-style: chr4-120781194-C-A. GRCh37 (hg19) VCF-style: chr4-121702349-C-A.
Other names: c.1299G>T, p.Glu433Asp (NM_001300823.2, NM_001300824.2, NM_001379106.1); c.1425G>T, p.Glu475Asp (NM_001379104.1); short protein forms E475D, E464D, E433D.
Identifiers: ClinVar variation 2626691 (VCV002626691.2), dbSNP rs1748985108, ClinGen allele CA358208824.

ClinVar aggregate classification (germline): Uncertain significance (1 of 4 stars; one submission).

Conditions:
Cardiovascular phenotype. Identifiers: MedGen CN230736.

Submission:

Ambry Genetics
Classification: Uncertain significance for Cardiovascular phenotype. Last evaluated: 2023-09-06. Review status: criteria provided, single submitter. Criteria: Ambry Variant Classification Scheme 2023. Collection method: clinical testing. Allele origin: germline.
Comment: The p.E464D variant (also known as c.1392G>T), located in coding exon 12 of the PRDM5 gene, results from a G to T substitution at nucleotide position 1392. The glutamic acid at codon 464 is replaced by aspartic acid, an amino acid with highly similar properties. This amino acid position is conserved. In addition, this alteration is predicted to be tolerated by in silico analysis. Since supporting evidence is limited at this time, the clinical significance of this alteration remains unclear.